The following is an entry in ClinVar:

NM_000540.3(RYR1):c.14917C>T (p.Pro4973Ser)

Gene: RYR1 (ryanodine receptor 1; plus strand). Cytogenetic location: 19q13.2.
Variant type: single nucleotide variant.
Coding change: c.14917C>T on transcript NM_000540.3 (MANE Select); coding-DNA position 14917, C replaced by T.
Protein change: p.Pro4973Ser; replaces proline 4973 with serine.
Molecular consequence: missense variant.
Genome position (GRCh38, 1-based): chr19:38,586,139, C>T. VCF-style: chr19-38586139-C-T. GRCh37 (hg19) VCF-style: chr19-39076779-C-T.
Other names: c.14902C>T, p.Pro4968Ser (NM_001042723.2); c.14917C>T (NM_000540.2); short protein forms P4968S, P4973S.
Identifiers: ClinVar variation 1524676 (VCV001524676.9), dbSNP rs747622915, ClinGen allele CA081367.
Genomic context (GRCh38, chr19:38,586,139, plus strand): 5'-TGCCACTCACAGACCAAGTGCTTCATCTGTGGAATCGGCAGTGACTACTTTGATACGACA[C>T]CGCATGGCTTCGAGACTCACACGCTGGAGGAGCACAACCTGGCCAATTACATGTGAGCAG-3'
Protein context (NP_000531.2, residues 4963-4983): GIGSDYFDTT[Pro4973Ser]HGFETHTLEE

ClinVar aggregate classification (germline): Uncertain significance. Review status: criteria provided, multiple submitters, no conflicts (2 of 4 stars). 4 submissions from 4 submitters: Uncertain significance (4). Last evaluated 2024-11-18.

Conditions:
Malignant hyperthermia, susceptibility to, 1 (MHS1). Also called: RYR1-Related Malignant Hyperthermia Susceptibility; Anesthesia related hyperthermia; Malignant hyperpyrexia; Fulminating hyperpyrexia; Pharmacogenic myopathy; Malignant hyperthermia suceptibility 1. Identifiers: Orphanet 423, MedGen C2930980, MONDO:0007783, OMIM 145600.
RYR1-related disorder. Also called: RYR1-related condition; RYR1-related disorders. Identifiers: MedGen CN239331.

Allele frequency attached by ClinVar (database versions not stated): TOPMed below 0.00001; ExAC 0.00001; gnomAD exomes 0.00001.
gnomAD v4.1: 21 of 1,614,026 alleles (0.0013%); highest among the groups gnomAD compares: Non-Finnish European, 0.0017%; no homozygotes.

Submissions (4):

GeneDx
Classification: Uncertain significance. Last evaluated: 2024-11-18. Review status: criteria provided, single submitter. Criteria: GeneDx Variant Classification Process June 2021. Collection method: clinical testing. Allele origin: germline. Affected: yes.
Comment: Not observed at significant frequency in large population cohorts (gnomAD); In silico analysis supports that this missense variant has a deleterious effect on protein structure/function; Has not been previously published as pathogenic or benign to our knowledge; This variant is associated with the following publications: (PMID: 20681998, 33767344)

Revvity Omics, Revvity
Classification: Uncertain significance. Last evaluated: 2024-08-18. Review status: criteria provided, single submitter. Criteria: ACMG Guidelines, 2015. Collection method: clinical testing. Allele origin: germline.

Labcorp Genetics (formerly Invitae), Labcorp
Classification: Uncertain significance for RYR1-related disorder. Last evaluated: 2024-02-28. Review status: criteria provided, single submitter. Criteria: Invitae Variant Classification Sherloc (09022015). Collection method: clinical testing. Allele origin: germline.
Comment: This sequence change replaces proline, which is neutral and non-polar, with serine, which is neutral and polar, at codon 4973 of the RYR1 protein (p.Pro4973Ser). This variant is present in population databases (rs747622915, gnomAD 0.002%). This variant has not been reported in the literature in individuals affected with RYR1-related conditions. ClinVar contains an entry for this variant (Variation ID: 1524676). Advanced modeling of protein sequence and biophysical properties (such as structural, functional, and spatial information, amino acid conservation, physicochemical variation, residue mobility, and thermodynamic stability) has been performed at Invitae for this missense variant, however the output from this modeling did not meet the statistical confidence thresholds required to predict the impact of this variant on RYR1 protein function. This variant disrupts the p.Pro4973 amino acid residue in RYR1. Other variant(s) that disrupt this residue have been determined to be pathogenic (PMID: 12411788, 25957634, 28687594, 29169929, 30236257). This suggests that this residue is clinically significant, and that variants that disrupt this residue are likely to be disease-causing. In summary, the available evidence is currently insufficient to determine the role of this variant in disease. Therefore, it has been classified as a Variant of Uncertain Significance.

Color Diagnostics, LLC DBA Color Health
Classification: Uncertain significance for Malignant hyperthermia, susceptibility to, 1. Last evaluated: 2023-11-16. Review status: criteria provided, single submitter. Criteria: ACMG Guidelines, 2015. Collection method: clinical testing. Allele origin: germline.
Comment: This missense variant replaces proline with serine at codon 4973 of the RYR1 protein. Computational prediction tool indicates that this variant may have an uncertain impact on protein structure and function. To our knowledge, functional studies have not been reported for this variant. This variant has not been reported in individuals affected with RYR1-related disorders in the literature. This variant has been identified in 2/251422 chromosomes in the general population by the Genome Aggregation Database (gnomAD). A different missense variant occurring at the same codon, p.Pro4973Leu, is known to cause disease (ClinVar variation ID: 133098), indicating that proline at this position is important for RYR1 protein function. The available evidence is insufficient to determine the role of this variant in disease conclusively. Therefore, this variant is classified as a Variant of Uncertain Significance.

Literature cited by the submitters: PubMed 12411788 (cited by Labcorp Genetics (formerly Invitae), Labcorp); PubMed 25957634 (cited by Labcorp Genetics (formerly Invitae), Labcorp); PubMed 28687594 (cited by Labcorp Genetics (formerly Invitae), Labcorp); PubMed 29169929 (cited by Labcorp Genetics (formerly Invitae), Labcorp); PubMed 30236257 (cited by Labcorp Genetics (formerly Invitae), Labcorp).